The following is an entry in ClinVar:

NM_152743.4(BRAT1):c.1590C>A (p.His530Gln)

Gene: BRAT1 (BRCA1 associated ATM activator 1; minus strand). Cytogenetic location: 7p22.3.
Variant type: single nucleotide variant.
Coding change: c.1590C>A on transcript NM_152743.4 (MANE Select); coding-DNA position 1590, C replaced by A.
Protein change: p.His530Gln; replaces histidine 530 with glutamine.
Molecular consequence: missense variant. On other transcripts: non-coding transcript variant (1).
Genome position (GRCh38, 1-based): chr7:2,539,551, G>T on the plus strand (C>A on the coding strand, the complement: BRAT1 is on the minus strand). VCF-style: chr7-2539551-G-T. GRCh37 (hg19) VCF-style: chr7-2579185-G-T.
Other names: c.1590C>A, p.His530Gln (NM_001350626.2); c.1065C>A, p.His355Gln (NM_001350627.2); short protein forms H530Q, H355Q.
Identifiers: ClinVar variation 1043230 (VCV001043230.8), dbSNP rs1778979707, ClinGen allele CA366627459.

ClinVar aggregate classification (germline): Uncertain significance (1 of 4 stars; one submission).

Conditions:
Neonatal-onset encephalopathy with rigidity and seizures. Also called: Lethal neonatal spasticity-epileptic encephalopathy syndrome. Identifiers: Orphanet 435845, MedGen C3281029, MONDO:0013784, OMIM 614498.

Submission:

Labcorp Genetics (formerly Invitae), Labcorp
Classification: Uncertain significance for Neonatal-onset encephalopathy with rigidity and seizures. Last evaluated: 2020-10-16. Review status: criteria provided, single submitter. Criteria: Invitae Variant Classification Sherloc (09022015). Collection method: clinical testing. Allele origin: germline.
Comment: This variant has not been reported in the literature in individuals with BRAT1-related conditions. This variant is not present in population databases (ExAC no frequency). This sequence change replaces histidine with glutamine at codon 530 of the BRAT1 protein (p.His530Gln). The histidine residue is moderately conserved and there is a small physicochemical difference between histidine and glutamine. Algorithms developed to predict the effect of missense changes on protein structure and function are either unavailable or do not agree on the potential impact of this missense change (SIFT: "Tolerated"; PolyPhen-2: "Possibly Damaging"; Align-GVGD: "Class C0"). In summary, the available evidence is currently insufficient to determine the role of this variant in disease. Therefore, it has been classified as a Variant of Uncertain Significance.